The following is an entry in ClinVar:

ClinVar aggregate classification (germline): Uncertain significance (1 of 4 stars; one submission).

Submission:

Women's Health and Genetics/Laboratory Corporation of America, LabCorp
Classification: Uncertain significance. Last evaluated: 2022-06-02. Review status: criteria provided, single submitter. Criteria: LabCorp Variant Classification Summary - May 2015. Collection method: clinical testing. Allele origin: germline.
Comment: Variant summary: The variant identified by MLPA or other technology involves the duplication of exons 1-9 (i.e. the full coding sequence) of the LCA5 gene. A presumed nomenclature of c.(?_-613)_(*2014_?)dup has been designated for the purposes of this classification. It has been assumed that this is a tandem duplication in direct orientation (Richardson_GIM_2018, Newman_AJHG_2015). Since exact breakpoints of this duplication are not known, it might extend beyond the assayed region of the LCA5 gene, including other flanking genes. A large duplication variant (315,631 bp) involving the LCA5 gene was found at a frequency of 4.6e-05 in 21694 control chromosomes in the gnomAD database, structural variants dataset. The available data on variant occurrences in the general population are insufficient to allow any conclusion about variant significance. To our knowledge, no occurrence of c.(?_-613)_(*2014_?)dup in individuals affected with Leber Congenital Amaurosis and no experimental evidence demonstrating its impact on protein function have been reported. One clinical diagnostic laboratory has submitted clinical-significance assessments for this variant to ClinVar after 2014, and classified the variant as uncertain significance. Based on the evidence outlined above, the variant was classified as uncertain significance.

NC_000006.11:g.(?_80194707)_(80247148_?)dup

Gene: LCA5 (lebercilin LCA5; minus strand). Cytogenetic location: 6q14.1.
Variant type: Duplication.
Identifiers: ClinVar variation 1698679 (VCV001698679.1).